The following is an entry in ClinVar:

NM_005633.4(SOS1):c.2511-9del

Gene: SOS1 (SOS Ras/Rac guanine nucleotide exchange factor 1; minus strand). Cytogenetic location: 2p22.1.
Variant type: Deletion.
Coding change: c.2511-9del on transcript NM_005633.4 (MANE Select); 9 bases into the intron before coding-DNA position 2511, one base deleted (T; older notation c.2511-9delT).
Molecular consequence: intron variant.
Genome position (GRCh38, 1-based): chr2:39,007,202, A deleted on the plus strand (T on the coding strand, the reverse complement: SOS1 is on the minus strand); the first of 9 consecutive A bases (chr2:39,007,202-39,007,210); deleting any one gives the same sequence. VCF-style (leftmost placement, unchanged base first): chr2-39007201-TA-T. GRCh37 (hg19) VCF-style: chr2-39234342-TA-T.
Other names: c.2490-9del (NM_001382394.1); c.2511-9del (NM_001382395.1); c.2511-9delT (NM_005633.3, NM_005633.4).
Identifiers: ClinVar variation 477719 (VCV000477719.21), dbSNP rs727503436, ClinGen allele CA1624390.

ClinVar aggregate classification (germline): Benign/Likely benign. Review status: criteria provided, multiple submitters, no conflicts (2 of 4 stars). 8 submissions from 7 submitters: Benign (5); Likely benign (2). 1 of the submissions does not count toward it. Last evaluated 2026-06-19.

Conditions:
SOS1-related disorder. Also called: SOS1-related condition.
Fibromatosis, gingival, 1 (GINGF1). Identifiers: Orphanet 2024, MedGen C4551558, MONDO:0007609, OMIM 135300.
Noonan syndrome and Noonan-related syndrome. Identifiers: Orphanet 98733, MedGen C5681679, MONDO:0020297.
RASopathy. Also called: rasopathies; Noonan spectrum disorder. Identifiers: Orphanet 536391, MedGen C5555857, MONDO:0021060.
Noonan syndrome 4 (NS4). Also called: SOS1-Related Noonan Syndrome; NOONAN SYNDROME WITH PIGMENTED VILLONODULAR SYNOVITIS. Identifiers: Orphanet 648, MedGen C1853120, MONDO:0012547, OMIM 610733.

Submissions (8):

Women's Health and Genetics/Laboratory Corporation of America, LabCorp
Classification: Benign. Last evaluated: 2026-06-19. Review status: criteria provided, single submitter. Criteria: LabCorp Variant Classification Summary - May 2015. Collection method: clinical testing. Allele origin: germline.
Comment: Variant summary: SOS1 c.2511-9delT alters a nucleotide located at a position not widely known to affect splicing. Consensus agreement among computation tools predict no significant impact on normal splicing. However, these predictions have yet to be confirmed by functional studies. The variant allele was found at a frequency of 0.00022 in 238074 control chromosomes. The observed variant frequency exceeds the estimated maximal expected allele frequency for disease-causing variants in SOS1. To our knowledge, no occurrence of c.2511-9delT in individuals affected with SOS1-related conditions and no experimental evidence demonstrating its impact on protein function have been reported. ClinVar contains an entry for this variant (Variation ID: 477719). Based on the evidence outlined above, the variant was classified as benign.

Labcorp Genetics (formerly Invitae), Labcorp
Classification: Benign for RASopathy. Last evaluated: 2026-01-26. Review status: criteria provided, single submitter. Criteria: Invitae Variant Classification Sherloc (09022015). Collection method: clinical testing. Allele origin: germline.

Blueprint Genetics
Classification: Likely benign. Last evaluated: 2023-09-22. Review status: criteria provided, single submitter. Criteria: ACMG Guidelines, 2015. Collection method: clinical testing. Allele origin: germline.

GeneDx
Classification: Benign. Last evaluated: 2021-03-16. Review status: criteria provided, single submitter. Criteria: GeneDx Variant Classification Process June 2021. Collection method: clinical testing. Allele origin: germline. Affected: yes.

Genome Diagnostics Laboratory, The Hospital for Sick Children
Classification: Likely benign for Noonan syndrome and Noonan-related syndrome. Last evaluated: 2018-07-01. Review status: criteria provided, single submitter. Criteria: ACMG Guidelines, 2015. Collection method: clinical testing. Allele origin: germline.

Genome-Nilou Lab
Classification: Benign for Noonan syndrome 4. Review status: criteria provided, single submitter. Criteria: ACMG Guidelines, 2015. Collection method: clinical testing. Allele origin: germline.

Genome-Nilou Lab
Classification: Benign for Fibromatosis, gingival, 1. Review status: criteria provided, single submitter. Criteria: ACMG Guidelines, 2015. Collection method: clinical testing. Allele origin: germline.

PreventionGenetics, part of Exact Sciences
Classification: Likely benign for SOS1-related condition. Last evaluated: 2022-11-10. Review status: no assertion criteria provided. Collection method: clinical testing. Allele origin: germline. Not counted in ClinVar's aggregate classification.
Comment: This variant is classified as likely benign based on ACMG/AMP sequence variant interpretation guidelines (Richards et al. 2015 PMID: 25741868, with internal and published modifications).